The following is an entry in ClinVar:

NM_138694.4(PKHD1):c.1097_1098insGTCC (p.Gln367fs)

Gene: PKHD1 (PKHD1 ciliary IPT domain containing fibrocystin/polyductin; minus strand). Cytogenetic location: 6p12.2.
Variant type: Insertion.
Coding change: c.1097_1098insGTCC on transcript NM_138694.4 (MANE Select); coding-DNA positions 1097 to 1098, GTCC inserted.
Protein change: p.Gln367fs; shifts the reading frame from glutamine 367.
Molecular consequence: frameshift variant.
Genome position: GRCh38 VCF-style: chr6-52062539-T-TGGAC. GRCh37 (hg19) VCF-style: chr6-51927337-T-TGGAC.
Other names: c.1097_1098insGTCC, p.Gln367fs (NM_170724.3); short protein forms Q367fs.
Identifiers: ClinVar variation 4816543 (VCV004816543.1).

ClinVar aggregate classification (germline): Likely pathogenic (1 of 4 stars; one submission).

Conditions:
Autosomal recessive polycystic kidney disease (ARPKD). Also called: AR polycystic kidney disease. Identifiers: Orphanet 731, Orphanet 8378, MedGen C0085548, MeSH D017044, MONDO:0009889.

Submission:

Natera, Inc.
Classification: Likely pathogenic for Autosomal recessive polycystic kidney disease. Last evaluated: 2024-07-02. Review status: criteria provided, single submitter. Criteria: Natera Variant Classification Schema (03/2026). Collection method: clinical testing. Allele origin: germline.
Comment: The c.1097_1098insGTCC variant in PKHD1 is a frameshift variant predicted to shift the reading frame beginning at codon 367 and leads to a stop codon 22 codons downstream. This variant is expected to result in nonsense mediated decay, truncation, or a dysfunctional protein product. This variant is rare in the general population with a frequency below the threshold expected for the associated phenotype(s). Given the available evidence, this variant is classified as Likely Pathogenic.